The following is an entry in ClinVar:

ClinVar aggregate classification (germline): Uncertain significance (1 of 4 stars; one submission).

gnomAD v4.1: 56 of 1,613,038 alleles (0.0035%); highest among the groups gnomAD compares: Middle Eastern, 0.017%; no homozygotes.

Submission:

GeneDx
Classification: Uncertain significance. Last evaluated: 2025-03-26. Review status: criteria provided, single submitter. Criteria: GeneDx Variant Classification Process June 2021. Collection method: clinical testing. Allele origin: germline. Affected: yes.
Comment: In silico analysis supports that this missense variant has a deleterious effect on protein structure/function; Has not been previously published as pathogenic or benign to our knowledge

NM_006828.4(ASCC3):c.4214T>C (p.Ile1405Thr)

Gene: ASCC3 (activating signal cointegrator 1 complex subunit 3; minus strand). Cytogenetic location: 6q16.3.
Variant type: single nucleotide variant.
Coding change: c.4214T>C on transcript NM_006828.4 (MANE Select); coding-DNA position 4214, T replaced by C.
Protein change: p.Ile1405Thr; replaces isoleucine 1405 with threonine.
Molecular consequence: missense variant.
Genome position (GRCh38, 1-based): chr6:100,629,176, A>G on the plus strand (T>C on the coding strand, the complement: ASCC3 is on the minus strand). VCF-style: chr6-100629176-A-G. GRCh37 (hg19) VCF-style: chr6-101077052-A-G.
Other names: short protein forms I1405T.
Identifiers: ClinVar variation 4087860 (VCV004087860.1).
Genomic context (GRCh38, chr6:100,629,176, plus strand): 5'-ACGATAAGGTCAGCCTTGGCAATGGATTTCATATCAGGAGTCACATCCCCTGTTAGTTCA[A>G]TAACTCTGGAGGGAAATATAACAATGATCCCAGAAACTTTTCAGGTAACAAATGACCTTG-3'
Protein context (NP_006819.2, residues 1395-1415): RIEEKLGKKV[Ile1405Thr]ELTGDVTPDM